The following is an entry in ClinVar:

NM_000051.4(ATM):c.877A>G (p.Lys293Glu)

Gene: ATM (ATM serine/threonine kinase; plus strand). Cytogenetic location: 11q22.3.
Variant type: single nucleotide variant.
Coding change: c.877A>G on transcript NM_000051.4 (MANE Select); coding-DNA position 877, A replaced by G.
Protein change: p.Lys293Glu; replaces lysine 293 with glutamic acid.
Molecular consequence: missense variant.
Genome position (GRCh38, 1-based): chr11:108,245,002, A>G. VCF-style: chr11-108245002-A-G. GRCh37 (hg19) VCF-style: chr11-108115729-A-G.
Other names: c.877A>G, p.Lys293Glu (NM_001351834.2); short protein forms K293E.
Identifiers: ClinVar variation 822726 (VCV000822726.4), dbSNP rs1057516442, ClinGen allele CA382529557.

ClinVar aggregate classification (germline): Uncertain significance (1 of 4 stars; one submission).

Conditions:
Hereditary cancer-predisposing syndrome. Also called: Tumor predisposition; Hereditary Cancer Syndrome; Neoplastic Syndromes, Hereditary; Hereditary neoplastic syndrome. Identifiers: Orphanet 140162, MedGen C0027672, MeSH D009386, MONDO:0015356.

Submission:

Ambry Genetics
Classification: Uncertain significance for Hereditary cancer-predisposing syndrome. Last evaluated: 2018-12-05. Review status: criteria provided, single submitter. Criteria: Ambry Variant Classification Scheme 2023. Collection method: clinical testing. Allele origin: germline.
Comment: The p.K293E variant (also known as c.877A>G), located in coding exon 6 of the ATM gene, results from an A to G substitution at nucleotide position 877. The lysine at codon 293 is replaced by glutamic acid, an amino acid with similar properties. This amino acid position is not well conserved in available vertebrate species. In addition, this alteration is predicted to be tolerated by in silico analysis. Since supporting evidence is limited at this time, the clinical significance of this alteration remains unclear.